The following is an entry in ClinVar:

NM_000051.4(ATM):c.7294A>G (p.Ile2432Val)

Genes: ATM (ATM serine/threonine kinase; plus strand), C11orf65 (chromosome 11 open reading frame 65; minus strand). Cytogenetic location: 11q22.3.
Variant type: single nucleotide variant.
Coding change: c.7294A>G on transcript NM_000051.4 (MANE Select); coding-DNA position 7294, A replaced by G.
Protein change: p.Ile2432Val; replaces isoleucine 2432 with valine.
Molecular consequence: missense variant. On other transcripts: intron variant (2).
Genome position (GRCh38, 1-based): chr11:108,329,225, A>G. VCF-style: chr11-108329225-A-G. GRCh37 (hg19) VCF-style: chr11-108199952-A-G.
Other names: c.7294A>G, p.Ile2432Val (NM_001351834.2); c.641-20154T>C (NM_001330368.2); c.*38+5995T>C (NM_001351110.2); short protein forms I2432V.
Identifiers: ClinVar variation 826948 (VCV000826948.12), dbSNP rs587781838, ClinGen allele CA382559816.

ClinVar aggregate classification (germline): Uncertain significance. Review status: criteria provided, multiple submitters, no conflicts (2 of 4 stars). 3 submissions from 3 submitters: Uncertain significance (3). Last evaluated 2024-02-13.

Conditions:
Hereditary cancer-predisposing syndrome. Also called: Tumor predisposition; Neoplastic Syndromes, Hereditary; Hereditary Cancer Syndrome; Hereditary neoplastic syndrome. Identifiers: Orphanet 140162, MedGen C0027672, MeSH D009386, MONDO:0015356.
Ataxia-telangiectasia syndrome (AT). Also called: ATAXIA-TELANGIECTASIA, COMPLEMENTATION GROUP A; ATAXIA-TELANGIECTASIA, FRESNO VARIANT; Ataxia-telangiectasia; Ataxia-telangiectasia, complementation group D; AT, COMPLEMENTATION GROUP C; Ataxia-telangiectasia, complementation group E. Identifiers: Orphanet 100, MedGen C0004135, MONDO:0008840, OMIM 208900.

gnomAD v4.1: 2 of 1,613,116 alleles (0.00012%); highest among the groups gnomAD compares: Non-Finnish European, 0.00017%; no homozygotes.

Submissions (3):

Color Diagnostics, LLC DBA Color Health
Classification: Uncertain significance for Hereditary cancer-predisposing syndrome. Last evaluated: 2024-02-13. Review status: criteria provided, single submitter. Criteria: ACMG Guidelines, 2015. Collection method: clinical testing. Allele origin: germline.
Comment: This missense variant replaces isoleucine with valine at codon 2432 of the ATM protein. Computational prediction suggests that this variant may not impact protein structure and function. To our knowledge, functional studies have not been reported for this variant. In two case-control studies, this variant was reported in individuals affected with breast cancer and absent in controls (PMID: 33471991). This variant has not been identified in the general population by the Genome Aggregation Database (gnomAD). The available evidence is insufficient to determine the role of this variant in disease conclusively. Therefore, this variant is classified as a Variant of Uncertain Significance.

Ambry Genetics
Classification: Uncertain significance for Hereditary cancer-predisposing syndrome. Last evaluated: 2023-09-26. Review status: criteria provided, single submitter. Criteria: Ambry Variant Classification Scheme 2023. Collection method: clinical testing. Allele origin: germline.
Comment: The p.I2432V variant (also known as c.7294A>G), located in coding exon 48 of the ATM gene, results from an A to G substitution at nucleotide position 7294. The isoleucine at codon 2432 is replaced by valine, an amino acid with highly similar properties. This alteration was identified in 1 of 13087 breast cancer cases and 0 of 5488 control individuals in the UK (Decker B et al. J Med Genet, 2017 Nov;54:732-741). This amino acid position is not well conserved in available vertebrate species. In addition, this alteration is predicted to be tolerated by in silico analysis. Since supporting evidence is limited at this time, the clinical significance of this alteration remains unclear.

Labcorp Genetics (formerly Invitae), Labcorp
Classification: Uncertain significance for Ataxia-telangiectasia syndrome. Last evaluated: 2022-07-12. Review status: criteria provided, single submitter. Criteria: Invitae Variant Classification Sherloc (09022015). Collection method: clinical testing. Allele origin: germline.
Comment: Advanced modeling of protein sequence and biophysical properties (such as structural, functional, and spatial information, amino acid conservation, physicochemical variation, residue mobility, and thermodynamic stability) performed at Invitae indicates that this missense variant is not expected to disrupt ATM protein function. In summary, the available evidence is currently insufficient to determine the role of this variant in disease. Therefore, it has been classified as a Variant of Uncertain Significance. ClinVar contains an entry for this variant (Variation ID: 826948). This sequence change replaces isoleucine, which is neutral and non-polar, with valine, which is neutral and non-polar, at codon 2432 of the ATM protein (p.Ile2432Val). This variant is not present in population databases (gnomAD no frequency). This variant has not been reported in the literature in individuals affected with ATM-related conditions.

Literature cited by the submitters: PubMed 33471991 (cited by Color Diagnostics, LLC DBA Color Health); PubMed 28779002 (cited by Ambry Genetics).